The following is an entry in ClinVar:

ClinVar aggregate classification (germline): Uncertain significance (1 of 4 stars; one submission).

Conditions:
Neurodevelopmental disorder with or without seizures and gait abnormalities. Identifiers: MedGen C4693391, MONDO:0060641, OMIM 617864.

Submission:

New York Genome Center
Classification: Uncertain significance for Neurodevelopmental disorder with or without seizures and gait abnormalities. Last evaluated: 2021-06-11. Review status: criteria provided, single submitter. Criteria: NYGC Assertion Criteria 2020. Collection method: clinical testing. Allele origin: de novo. Observed: 1 heterozygote. Study: CSER-NYCKidSeq.
Comment: The de novo c.672+9389T>C variant identified in the GRIA4 gene is a single nucleotide deep intronic variant within intron 5/16. This variant is absent from gnomAD(v3.1.1) suggesting it is not a common benign variant in the populations represented in that database. In silico splicing algorithms SpliceAI and theTranscript inferred Pathogenicity Score (TraP) do not predict this variant to significantly alter splicing (SpliceAI delta score=0.00; TraP=0.12). This variant is absent from ClinVar and to our current knowledge has not been reported in affected individuals in the literature. To date, only 5 individuals with GRIA4 variants have been reported, and all reported variants are clustered between amino acids p.Thr639 and p.Arg697 (exons 13-14) [PMID:29220673], which is C-terminal to the variant identified here. All reported GRIA4 variants have been identified de novo in affected individuals. Given the lack of compelling evidence for its pathogenicity, the c.672+9389T>C variant identified in the GRIA4 gene of this individual is reported here as a Variant of Uncertain Significance.

NM_000829.4(GRIA4):c.672+9389T>C

Gene: GRIA4 (glutamate ionotropic receptor AMPA type subunit 4; plus strand). Cytogenetic location: 11q22.3.
Variant type: single nucleotide variant.
Coding change: c.672+9389T>C on transcript NM_000829.4 (MANE Select); 9389 bases into the intron after coding-DNA position 672, T replaced by C.
Molecular consequence: intron variant.
Genome position (GRCh38, 1-based): chr11:105,871,597, T>C. VCF-style: chr11-105871597-T-C. GRCh37 (hg19) VCF-style: chr11-105742323-T-C.
Other names: c.672+9389T>C (NM_001077243.3, NM_001077244.2, NM_001112812.2).
Identifiers: ClinVar variation 1696451 (VCV001696451.1), dbSNP rs2136050686, ClinGen allele CA2580082931.